The following is an entry in ClinVar:

NM_001128178.3(NPHP1):c.307A>C (p.Ile103Leu)

Gene: NPHP1 (nephrocystin 1; minus strand). Cytogenetic location: 2q13.
Variant type: single nucleotide variant.
Coding change: c.307A>C on transcript NM_001128178.3 (MANE Select); coding-DNA position 307, A replaced by C.
Protein change: p.Ile103Leu; replaces isoleucine 103 with leucine.
Molecular consequence: missense variant. On other transcripts: intron variant (1).
Genome position (GRCh38, 1-based): chr2:110,178,445, T>G on the plus strand (A>C on the coding strand, the complement: NPHP1 is on the minus strand). VCF-style: chr2-110178445-T-G. GRCh37 (hg19) VCF-style: chr2-110936022-T-G.
Other names: c.307A>C, p.Ile103Leu (NM_000272.5, NM_001374256.1, NM_001374257.1 and 1 more transcripts); c.144-8447A>C (NM_001128179.3); c.307A>C (NM_000272.4); short protein forms I103L.
Identifiers: ClinVar variation 1483630 (VCV001483630.6), dbSNP rs778905635, ClinGen allele CA1827449.

ClinVar aggregate classification (germline): Uncertain significance. Review status: criteria provided, multiple submitters, no conflicts (2 of 4 stars). 2 submissions from 2 submitters: Uncertain significance (2). Last evaluated 2025-08-19.

Conditions:
Nephronophthisis. Also called: Juvenile Nephronophthisis. Identifiers: Orphanet 655, MedGen C0687120, MONDO:0019005, HP:0000090.
Senior-Loken syndrome 1 (SLSN1). Also called: JUVENILE NEPHRONOPHTHISIS WITH LEBER AMAUROSIS. Identifiers: Orphanet 3156, MedGen C4551559, MONDO:0009962, OMIM 266900.
Joubert syndrome with renal defect. Also called: JOUBERT SYNDROME 4. Identifiers: Orphanet 220497, MedGen C1846790, MONDO:0012308, OMIM 609583.
Nephronophthisis 1 (NPHP1). Also called: Nephronophthisis familial juvenile. Identifiers: Orphanet 655, Orphanet 93592, MedGen C1855681, MONDO:0009728, OMIM 256100.

Allele frequency attached by ClinVar (database versions not stated): gnomAD exomes below 0.00001; ExAC 0.00001.

Submissions (2):

Labcorp Genetics (formerly Invitae), Labcorp
Classification: Uncertain significance for Nephronophthisis. Last evaluated: 2025-08-19. Review status: criteria provided, single submitter. Criteria: Invitae Variant Classification Sherloc (09022015). Collection method: clinical testing. Allele origin: germline.
Comment: This sequence change replaces isoleucine, which is neutral and non-polar, with leucine, which is neutral and non-polar, at codon 103 of the NPHP1 protein (p.Ile103Leu). This variant is present in population databases (rs778905635, gnomAD 0.003%). This variant has not been reported in the literature in individuals affected with NPHP1-related conditions. ClinVar contains an entry for this variant (Variation ID: 1483630). Invitae Evidence Modeling of protein sequence and biophysical properties (such as structural, functional, and spatial information, amino acid conservation, physicochemical variation, residue mobility, and thermodynamic stability) indicates that this missense variant is not expected to disrupt NPHP1 protein function with a negative predictive value of 80%. In summary, the available evidence is currently insufficient to determine the role of this variant in disease. Therefore, it has been classified as a Variant of Uncertain Significance.

Fulgent Genetics
Classification: Uncertain significance for Nephronophthisis 1; Senior-Loken syndrome 1; Joubert syndrome with renal defect. Last evaluated: 2024-06-01. Review status: criteria provided, single submitter. Criteria: ACMG Guidelines, 2015. Collection method: clinical testing. Allele origin: germline.